The following is an entry in ClinVar:

NM_012281.3(KCND2):c.461C>A (p.Thr154Asn)

Gene: KCND2 (potassium voltage-gated channel subfamily D member 2; plus strand). Cytogenetic location: 7q31.31.
Variant type: single nucleotide variant.
Coding change: c.461C>A on transcript NM_012281.3 (MANE Select); coding-DNA position 461, C replaced by A.
Protein change: p.Thr154Asn; replaces threonine 154 with asparagine.
Molecular consequence: missense variant.
Genome position (GRCh38, 1-based): chr7:120,275,093, C>A. VCF-style: chr7-120275093-C-A. GRCh37 (hg19) VCF-style: chr7-119915147-C-A.
Other names: short protein forms T154N.
Identifiers: ClinVar variation 4805385 (VCV004805385.1).

ClinVar aggregate classification (germline): Uncertain significance (1 of 4 stars; one submission).

Conditions:
Early Myoclonic Encephalopathy. Identifiers: MedGen C0270855.

Submission:

Labcorp Genetics (formerly Invitae), Labcorp
Classification: Uncertain significance for Early Myoclonic Encephalopathy. Last evaluated: 2025-11-15. Review status: criteria provided, single submitter. Criteria: Invitae Variant Classification Sherloc (09022015). Collection method: clinical testing. Allele origin: germline.
Comment: This sequence change replaces threonine, which is neutral and polar, with asparagine, which is neutral and polar, at codon 154 of the KCND2 protein (p.Thr154Asn). This variant is present in population databases (rs749214590, gnomAD 0.0009%). This variant has not been reported in the literature in individuals affected with KCND2-related conditions. Invitae Evidence Modeling of protein sequence and biophysical properties (such as structural, functional, and spatial information, amino acid conservation, physicochemical variation, residue mobility, and thermodynamic stability) indicates that this missense variant is not expected to disrupt KCND2 protein function with a negative predictive value of 95%. In summary, the available evidence is currently insufficient to determine the role of this variant in disease. Therefore, it has been classified as a Variant of Uncertain Significance.